The following is an entry in ClinVar:

ClinVar aggregate classification (germline): Uncertain significance (1 of 4 stars; one submission).

Conditions:
CHARGE syndrome (CHARGE). Also called: Hittner Hirsch Kreh syndrome; CHARGE ASSOCIATION--COLOBOMA, HEART ANOMALY, CHOANAL ATRESIA, RETARDATION, GENITAL AND EAR ANOMALIES; Coloboma, heart anomaly, choanal atresia, retardation, genital and ear anomalies; CHARGE association; Hall-Hittner syndrome. Identifiers: Orphanet 138, MedGen C0265354, MONDO:0008965.

Submission:

Labcorp Genetics (formerly Invitae), Labcorp
Classification: Uncertain significance for CHARGE syndrome. Last evaluated: 2025-12-29. Review status: criteria provided, single submitter. Criteria: Invitae Variant Classification Sherloc (09022015). Collection method: clinical testing. Allele origin: germline.
Comment: This sequence change replaces glycine, which is neutral and non-polar, with glutamic acid, which is acidic and polar, at codon 2286 of the CHD7 protein (p.Gly2286Glu). This variant is not present in population databases (gnomAD no frequency). This variant has not been reported in the literature in individuals affected with CHD7-related conditions. Invitae Evidence Modeling of protein sequence and biophysical properties (such as structural, functional, and spatial information, amino acid conservation, physicochemical variation, residue mobility, and thermodynamic stability) indicates that this missense variant is not expected to disrupt CHD7 protein function with a negative predictive value of 95%. In summary, the available evidence is currently insufficient to determine the role of this variant in disease. Therefore, it has been classified as a Variant of Uncertain Significance.

NM_017780.4(CHD7):c.6857G>A (p.Gly2286Glu)

Gene: CHD7 (chromodomain helicase DNA binding protein 7; plus strand). Cytogenetic location: 8q12.2.
Variant type: single nucleotide variant.
Coding change: c.6857G>A on transcript NM_017780.4 (MANE Select); coding-DNA position 6857, G replaced by A.
Protein change: p.Gly2286Glu; replaces glycine 2286 with glutamic acid.
Molecular consequence: missense variant. On other transcripts: intron variant (1).
Genome position (GRCh38, 1-based): chr8:60,854,444, G>A. VCF-style: chr8-60854444-G-A. GRCh37 (hg19) VCF-style: chr8-61767003-G-A.
Other names: c.1717-7785G>A (NM_001316690.1); short protein forms G2286E.
Identifiers: ClinVar variation 4746306 (VCV004746306.1).